The following is an entry in ClinVar:

ClinVar aggregate classification (germline): Uncertain significance (1 of 4 stars; one submission).

Conditions:
Inborn genetic diseases. Identifiers: MedGen C0950123, MeSH D030342.

Submission:

Ambry Genetics
Classification: Uncertain significance for Inborn genetic diseases. Last evaluated: 2025-05-11. Review status: criteria provided, single submitter. Criteria: Ambry Variant Classification Scheme 2023. Collection method: clinical testing. Allele origin: germline.
Comment: The p.P331A variant (also known as c.991C>G), located in coding exon 9 of the CEP57 gene, results from a C to G substitution at nucleotide position 991. The proline at codon 331 is replaced by alanine, an amino acid with highly similar properties. This amino acid position is conserved. In addition, this alteration is predicted to be tolerated by in silico analysis. Based on the available evidence, the clinical significance of this variant remains unclear.

NM_014679.5(CEP57):c.991C>G (p.Pro331Ala)

Gene: CEP57 (centrosomal protein 57; plus strand). Cytogenetic location: 11q21.
Variant type: single nucleotide variant.
Coding change: c.991C>G on transcript NM_014679.5 (MANE Select); coding-DNA position 991, C replaced by G.
Protein change: p.Pro331Ala; replaces proline 331 with alanine.
Molecular consequence: missense variant.
Genome position (GRCh38, 1-based): chr11:95,827,891, C>G. VCF-style: chr11-95827891-C-G. GRCh37 (hg19) VCF-style: chr11-95561055-C-G.
Other names: c.964C>G, p.Pro322Ala (NM_001243776.2); c.913C>G, p.Pro305Ala (NM_001243777.2); c.910C>G, p.Pro304Ala (NM_001363604.2); short protein forms P304A, P331A, P305A, P322A.
Identifiers: ClinVar variation 4001041 (VCV004001041.1).
Genomic context (GRCh38, chr11:95,827,891, plus strand): 5'-TTGCATCTAATGAAGCAACACAGTAAAGCTTTGTGCAATGATCGAGTCATCAACAGTATT[C>G]CTTTGGCAAAGCAAGTATCTTCACGAGGTGGTAAAAGTAAGAAGTTGTCAGTAACACCTC-3'
Protein context (NP_055494.2, residues 321-341): LCNDRVINSI[Pro331Ala]LAKQVSSRGG